The following is an entry in ClinVar:

ClinVar aggregate classification (germline): Pathogenic (1 of 4 stars; one submission).

Submission:

ISCA Site 6
Classification: Pathogenic. Last evaluated: 2011-08-12. Review status: criteria provided, single submitter. Criteria: Kaminsky et al. (Genet Med. 2011). Collection method: clinical testing. Allele origin: de novo. Affected: yes. Observed: 1 variant allele.
Comment: Copy number variation identified through the course of routine clinical cytogenomic testing in postnatal populations. Clinical assertions have been curated as described in Kaminsky et al. 2011.

GRCh38/hg38 1p36.33(chr1:872305-2047715)x1

Genes: MIB2 (MIB E3 ubiquitin protein ligase 2; plus strand), MIR200A (microRNA 200a; plus strand), MIR200B (microRNA 200b; plus strand), MIR429 (microRNA 429; plus strand), MIR6726 (microRNA 6726; minus strand) and 196 more. Cytogenetic location: 1p36.33.
Variant type: copy number loss.
Change: copy number 1 (one copy instead of two) of chr1:872,305-2,047,715 (1.18 Mb, GRCh38 coordinates, 1-based), cytogenetic band 1p36.33.
Identifiers: ClinVar variation 58312 (VCV000058312.2).